The following is an entry in ClinVar:

ClinVar aggregate classification (germline): Likely benign (1 of 4 stars; one submission).

Allele frequency attached by ClinVar (database versions not stated): TOPMed 0.00120; gnomAD 0.00131; gnomAD exomes 0.00172; 1000 Genomes Project 30x 0.00187; 1000 Genomes Project 0.00200.

Submission:

CeGaT Center for Human Genetics Tuebingen
Classification: Likely benign. Last evaluated: 2025-02-01. Review status: criteria provided, single submitter. Criteria: CeGaT Center For Human Genetics Tuebingen Variant Classification Criteria Version 2. Collection method: clinical testing. Allele origin: germline. Affected: yes. Observed: 2 variant alleles.
Comment: MUC19: BP4, BP7, BS2

NC_000012.12:g.40507004C>T

Gene: MUC19 (mucin 19, oligomeric (gene/pseudogene); plus strand). Cytogenetic location: 12q12.
Variant type: single nucleotide variant.
Genome position: GRCh38 VCF-style: chr12-40507004-C-T. GRCh37 (hg19) VCF-style: chr12-40900806-C-T.
Identifiers: ClinVar variation 2642881 (VCV002642881.24), dbSNP rs536871012, ClinGen allele CA235391547.